The following is an entry in ClinVar:

ClinVar aggregate classification (germline): Uncertain significance (1 of 4 stars; one submission).

Allele frequency attached by ClinVar (database versions not stated): ExAC 0.00001; gnomAD 0.00001; gnomAD exomes 0.00001; TOPMed 0.00002; 1000 Genomes Project 0.00020; 1000 Genomes Project 30x 0.00031.

Submission:

Labcorp Genetics (formerly Invitae), Labcorp
Classification: Uncertain significance. Last evaluated: 2022-08-21. Review status: criteria provided, single submitter. Criteria: Invitae Variant Classification Sherloc (09022015). Collection method: clinical testing. Allele origin: germline.
Comment: This sequence change replaces arginine, which is basic and polar, with tryptophan, which is neutral and slightly polar, at codon 1026 of the LAMA5 protein (p.Arg1026Trp). This variant is present in population databases (rs555213911, gnomAD 0.003%). This variant has not been reported in the literature in individuals affected with LAMA5-related conditions. Algorithms developed to predict the effect of missense changes on protein structure and function (SIFT, PolyPhen-2, Align-GVGD) all suggest that this variant is likely to be disruptive. In summary, the available evidence is currently insufficient to determine the role of this variant in disease. Therefore, it has been classified as a Variant of Uncertain Significance.

NM_005560.6(LAMA5):c.3076C>T (p.Arg1026Trp)

Gene: LAMA5 (laminin subunit alpha 5; minus strand). Cytogenetic location: 20q13.33.
Variant type: single nucleotide variant.
Coding change: c.3076C>T on transcript NM_005560.6 (MANE Select); coding-DNA position 3076, C replaced by T.
Protein change: p.Arg1026Trp; replaces arginine 1026 with tryptophan.
Molecular consequence: missense variant.
Genome position (GRCh38, 1-based): chr20:62,333,427, G>A on the plus strand (C>T on the coding strand, the complement: LAMA5 is on the minus strand). VCF-style: chr20-62333427-G-A. GRCh37 (hg19) VCF-style: chr20-60908483-G-A.
Other names: short protein forms R1026W.
Identifiers: ClinVar variation 2179022 (VCV002179022.1), dbSNP rs555213911, ClinGen allele CA9943181.